The following is an entry in ClinVar:

NM_001040108.2(MLH3):c.*2407T>C

Gene: MLH3 (mutL homolog 3; minus strand). Cytogenetic location: 14q24.3.
Variant type: single nucleotide variant.
Coding change: c.*2407T>C on transcript NM_001040108.2 (MANE Select); 2407 bases downstream of the stop codon, T replaced by C.
Molecular consequence: 3 prime UTR variant.
Genome position (GRCh38, 1-based): chr14:75,014,675, A>G on the plus strand (T>C on the coding strand, the complement: MLH3 is on the minus strand). VCF-style: chr14-75014675-A-G. GRCh37 (hg19) VCF-style: chr14-75481378-A-G.
Other names: c.*2407T>C (NM_014381.3).
Identifiers: ClinVar variation 886122 (VCV000886122.4), dbSNP rs74064149, ClinGen allele CA263659970.

ClinVar aggregate classification (germline): Likely benign (1 of 4 stars; one submission).

Conditions:
Colorectal cancer, hereditary nonpolyposis, type 7. Identifiers: Orphanet 144, MedGen C1858380, MONDO:0013725, OMIM 614385.

Allele frequency attached by ClinVar (database versions not stated): gnomAD exomes 0.00139; gnomAD 0.00743 and 0.00791; TOPMed 0.00822; 1000 Genomes Project 30x 0.00921; 1000 Genomes Project 0.00978.

Submission:

Illumina Laboratory Services, Illumina
Classification: Likely benign for Colorectal cancer, hereditary nonpolyposis, type 7. Last evaluated: 2018-01-13. Review status: criteria provided, single submitter. Criteria: ICSL Variant Classification Criteria 13 December 2019. Collection method: clinical testing. Allele origin: germline.
Comment: This variant was observed in the ICSL laboratory as part of a predisposition screen in an ostensibly healthy population. It had not been previously curated by ICSL or reported in the Human Gene Mutation Database (HGMD: prior to June 1st, 2018), and was therefore a candidate for classification through an automated scoring system. Utilizing variant allele frequency, disease prevalence and penetrance estimates, and inheritance mode, an automated score was calculated to assess if this variant is too frequent to cause the disease. Based on the score and internal cut-off values, a variant classified as likely benign is not then subjected to further curation. The score for this variant resulted in a classification of likely benign for this disease.